The following is an entry in ClinVar:

ClinVar aggregate classification (germline): Uncertain significance (1 of 4 stars; one submission).

Allele frequency attached by ClinVar (database versions not stated): TOPMed below 0.00001; gnomAD 0.00001; gnomAD exomes 0.00001; ExAC 0.00002.
gnomAD v4.1: 14 of 1,614,060 alleles (0.00087%); highest among the groups gnomAD compares: African/African-American, 0.0013%; no homozygotes.

Submission:

Labcorp Genetics (formerly Invitae), Labcorp
Classification: Uncertain significance. Last evaluated: 2022-05-06. Review status: criteria provided, single submitter. Criteria: Invitae Variant Classification Sherloc (09022015). Collection method: clinical testing. Allele origin: germline.
Comment: This sequence change replaces tyrosine, which is neutral and polar, with cysteine, which is neutral and slightly polar, at codon 203 of the ADAMTS18 protein (p.Tyr203Cys). This variant is present in population databases (rs750533933, gnomAD 0.003%). This variant has not been reported in the literature in individuals affected with ADAMTS18-related conditions. Algorithms developed to predict the effect of missense changes on protein structure and function are either unavailable or do not agree on the potential impact of this missense change (SIFT: "Not Available"; PolyPhen-2: "Probably Damaging"; Align-GVGD: "Not Available"). In summary, the available evidence is currently insufficient to determine the role of this variant in disease. Therefore, it has been classified as a Variant of Uncertain Significance.

NM_199355.4(ADAMTS18):c.608A>G (p.Tyr203Cys)

Gene: ADAMTS18 (ADAM metallopeptidase with thrombospondin type 1 motif 18; minus strand). Cytogenetic location: 16q23.1.
Variant type: single nucleotide variant.
Coding change: c.608A>G on transcript NM_199355.4 (MANE Select); coding-DNA position 608, A replaced by G.
Protein change: p.Tyr203Cys; replaces tyrosine 203 with cysteine.
Molecular consequence: missense variant.
Genome position (GRCh38, 1-based): chr16:77,367,611, T>C on the plus strand (A>G on the coding strand, the complement: ADAMTS18 is on the minus strand). VCF-style: chr16-77367611-T-C. GRCh37 (hg19) VCF-style: chr16-77401508-T-C.
Other names: c.88A>G, p.Thr30Ala (NM_001326358.2); short protein forms T30A, Y203C.
Identifiers: ClinVar variation 2134767 (VCV002134767.4), dbSNP rs750533933, ClinGen allele CA8181621.